The following is an entry in ClinVar:

NM_000083.3(CLCN1):c.1298G>C (p.Trp433Ser)

Gene: CLCN1 (chloride voltage-gated channel 1; plus strand). Cytogenetic location: 7q34.
Variant type: single nucleotide variant.
Coding change: c.1298G>C on transcript NM_000083.3 (MANE Select); coding-DNA position 1298, G replaced by C.
Protein change: p.Trp433Ser; replaces tryptophan 433 with serine.
Molecular consequence: missense variant.
Genome position (GRCh38, 1-based): chr7:143,332,770, G>C. VCF-style: chr7-143332770-G-C. GRCh37 (hg19) VCF-style: chr7-143029863-G-C.
Other names: p.Trp433Ser; short protein forms W433S.
Identifiers: ClinVar variation 1411494 (VCV001411494.9), dbSNP rs1486868849, ClinGen allele CA369643968.

ClinVar aggregate classification (germline): Conflicting classifications of pathogenicity. Review status: criteria provided, conflicting classifications (1 of 4 stars). 2 submissions from 2 submitters: Likely pathogenic (1); Uncertain significance (1). Last evaluated 2025-02-06.

Conditions:
Congenital myotonia, autosomal recessive form. Also called: BECKER DISEASE; Becker Generalized Myotonia; myotonia congenita, autosomal recessive. Identifiers: Orphanet 614, MedGen C0751360, MONDO:0009715, OMIM 255700.
Congenital myotonia, autosomal dominant form (THD). Also called: THOMSEN DISEASE; Myotonia congenita autosomal dominant. Identifiers: Orphanet 614, MedGen C2936781, MONDO:0008055, OMIM 160800.

Submissions (2):

Mayo Clinic Laboratories, Mayo Clinic
Classification: Uncertain significance. Last evaluated: 2025-02-06. Review status: criteria provided, single submitter. Criteria: ACMG Guidelines, 2015. Collection method: clinical testing. Allele origin: germline. Observed: 1 variant allele.
Comment: PP3, PM2_supporting, PM5

Labcorp Genetics (formerly Invitae), Labcorp
Classification: Likely pathogenic for Congenital myotonia, autosomal recessive form; Congenital myotonia, autosomal dominant form. Last evaluated: 2023-05-08. Review status: criteria provided, single submitter. Criteria: Invitae Variant Classification Sherloc (09022015). Collection method: clinical testing. Allele origin: germline.
Comment: In summary, the currently available evidence indicates that the variant is pathogenic, but additional data are needed to prove that conclusively. Therefore, this variant has been classified as Likely Pathogenic. This variant disrupts the p.Trp433 amino acid residue in CLCN1. Other variant(s) that disrupt this residue have been determined to be pathogenic (PMID: 18337100). This suggests that this residue is clinically significant, and that variants that disrupt this residue are likely to be disease-causing. Advanced modeling of protein sequence and biophysical properties (such as structural, functional, and spatial information, amino acid conservation, physicochemical variation, residue mobility, and thermodynamic stability) performed at Invitae indicates that this missense variant is expected to disrupt CLCN1 protein function. ClinVar contains an entry for this variant (Variation ID: 1411494). This variant has not been reported in the literature in individuals affected with CLCN1-related conditions. This variant is not present in population databases (gnomAD no frequency). This sequence change replaces tryptophan, which is neutral and slightly polar, with serine, which is neutral and polar, at codon 433 of the CLCN1 protein (p.Trp433Ser).

Literature cited by the submitters: PubMed 18337100 (cited by Mayo Clinic Laboratories, Mayo Clinic and Labcorp Genetics (formerly Invitae), Labcorp); PubMed 34529042 (cited by Mayo Clinic Laboratories, Mayo Clinic).